The following is an entry in ClinVar:

ClinVar aggregate classification (germline): Uncertain significance. Review status: criteria provided, multiple submitters, no conflicts (2 of 4 stars). 2 submissions from 2 submitters: Uncertain significance (2). Last evaluated 2024-10-01.

Conditions:
Autosomal recessive limb-girdle muscular dystrophy type 2F (LGMDR6). Also called: MUSCULAR DYSTROPHY, LIMB-GIRDLE, AUTOSOMAL RECESSIVE 6; Muscular dystrophy limb-girdle with delta-sarcoglyan deficiency. Identifiers: Orphanet 219, MedGen C1832525, MONDO:0011028, OMIM 601287. Disease mechanism: Affects gamma-sarcoglycan and also disrupts the integrity of the entire sarcoglycan complex..

Allele frequency attached by ClinVar (database versions not stated): gnomAD 0.00001; gnomAD exomes 0.00001.
gnomAD v4.1: 15 of 1,607,004 alleles (0.00093%); highest among the groups gnomAD compares: Non-Finnish European, 0.0012%; no homozygotes.

Submissions (2):

Blueprint Genetics
Classification: Uncertain significance. Last evaluated: 2024-10-01. Review status: criteria provided, single submitter. Criteria: ACMG Guidelines, 2015. Collection method: clinical testing. Allele origin: germline.

Labcorp Genetics (formerly Invitae), Labcorp
Classification: Uncertain significance for Autosomal recessive limb-girdle muscular dystrophy type 2F. Last evaluated: 2022-01-12. Review status: criteria provided, single submitter. Criteria: Invitae Variant Classification Sherloc (09022015). Collection method: clinical testing. Allele origin: germline.
Comment: In summary, the available evidence is currently insufficient to determine the role of this variant in disease. Therefore, it has been classified as a Variant of Uncertain Significance. Algorithms developed to predict the effect of missense changes on protein structure and function are either unavailable or do not agree on the potential impact of this missense change (SIFT: "Deleterious"; PolyPhen-2: "Probably Damaging"; Align-GVGD: "Class C0"). This variant has not been reported in the literature in individuals affected with SGCD-related conditions. This variant is present in population databases (no rsID available, gnomAD 0.002%). This sequence change replaces cysteine, which is neutral and slightly polar, with arginine, which is basic and polar, at codon 289 of the SGCD protein (p.Cys289Arg).

NM_000337.6(SGCD):c.865T>C (p.Cys289Arg)

Gene: SGCD (sarcoglycan delta; plus strand). Cytogenetic location: 5q33.3.
Variant type: single nucleotide variant.
Coding change: c.865T>C on transcript NM_000337.6 (MANE Select); coding-DNA position 865, T replaced by C.
Protein change: p.Cys289Arg; replaces cysteine 289 with arginine.
Molecular consequence: missense variant.
Genome position (GRCh38, 1-based): chr5:156,759,382, T>C. VCF-style: chr5-156759382-T-C. GRCh37 (hg19) VCF-style: chr5-156186393-T-C.
Other names: c.862T>C, p.Cys288Arg (NM_001128209.2); short protein forms C289R, C288R.
Identifiers: ClinVar variation 2148046 (VCV002148046.5), dbSNP rs1249092205, ClinGen allele CA362009679.